The following is an entry in ClinVar:

NM_004006.3(DMD):c.9975-2A>C

Gene: DMD (dystrophin; minus strand). Cytogenetic location: Xp21.2.
Variant type: single nucleotide variant.
Coding change: c.9975-2A>C on transcript NM_004006.3 (MANE Select); the canonical splice acceptor site of the intron before coding-DNA position 9975, A replaced by C.
Molecular consequence: splice acceptor variant.
Genome position (GRCh38, 1-based): chrX:31,180,483, T>G on the plus strand (A>C on the coding strand, the complement: DMD is on the minus strand). VCF-style: chrX-31180483-T-G. GRCh37 (hg19) VCF-style: chrX-31198600-T-G.
Other names: c.9951-2A>C (NM_000109.4); c.5952-2A>C (NM_004011.4); c.5943-2A>C (NM_004012.4); c.2595-2A>C (NM_004023.3, NM_004020.4, NM_004022.3 and 2 more transcripts); c.1788-2A>C (NM_004014.3); c.771-2A>C (NM_004018.3, NM_004017.3, NM_004016.3 and 2 more transcripts); c.9963-2A>C (NM_004009.3); c.9606-2A>C (NM_004010.3).
Identifiers: ClinVar variation 290604 (VCV000290604.14), dbSNP rs886044502, ClinGen allele CA10606839.

ClinVar aggregate classification (germline): Pathogenic. Review status: criteria provided, multiple submitters, no conflicts (2 of 4 stars). 2 submissions from 2 submitters: Pathogenic (2). Last evaluated 2020-02-11.

Conditions:
Duchenne muscular dystrophy (DMD). Also called: Duchenne Muscular Dystrophy (DMD); MUSCULAR DYSTROPHY, PSEUDOHYPERTROPHIC PROGRESSIVE, DUCHENNE TYPE. Identifiers: Orphanet 98896, MedGen C0013264, MONDO:0010679, OMIM 310200.

Submissions (2):

Labcorp Genetics (formerly Invitae), Labcorp
Classification: Pathogenic for Duchenne muscular dystrophy. Last evaluated: 2020-02-11. Review status: criteria provided, single submitter. Criteria: Invitae Variant Classification Sherloc (09022015). Collection method: clinical testing. Allele origin: germline.
Comment: For these reasons, this variant has been classified as Pathogenic. Donor and acceptor splice site variants typically lead to a loss of protein function (PMID: 16199547), and loss-of-function variants in DMD are known to be pathogenic (PMID: 16770791, 25007885). Disruption of this splice site has been observed in individual(s) with Duchenne or Becker muscular dystrophy (PMID: 17253928, 27425820, 27593222). ClinVar contains an entry for this variant (Variation ID: 290604). This variant is not present in population databases (ExAC no frequency). This sequence change affects an acceptor splice site in intron 68 of the DMD gene. It is expected to disrupt RNA splicing and likely results in an absent or disrupted protein product.

Eurofins Ntd Llc (ga)
Classification: Pathogenic. Last evaluated: 2017-04-05. Review status: criteria provided, single submitter. Criteria: EGL Classification Definitions 2015. Collection method: clinical testing. Allele origin: germline. Observed: 3 variant alleles, 1 heterozygote, 2 hemizygotes.

Literature cited by the submitters: PubMed 16199547 (cited by Labcorp Genetics (formerly Invitae), Labcorp); PubMed 16770791 (cited by Labcorp Genetics (formerly Invitae), Labcorp); PubMed 25007885 (cited by Labcorp Genetics (formerly Invitae), Labcorp); PubMed 17253928 (cited by Labcorp Genetics (formerly Invitae), Labcorp); PubMed 27425820 (cited by Labcorp Genetics (formerly Invitae), Labcorp); PubMed 27593222 (cited by Labcorp Genetics (formerly Invitae), Labcorp).